The following is an entry in ClinVar:

ClinVar aggregate classification (germline): Uncertain significance (1 of 4 stars; one submission).

Submission:

GeneDx
Classification: Uncertain significance. Last evaluated: 2019-10-02. Review status: criteria provided, single submitter. Criteria: GeneDx Variant Classification Process June 2021. Collection method: clinical testing. Allele origin: germline. Affected: yes.
Comment: Has not been previously published as pathogenic or benign to our knowledge; Canonical splice site variant in a gene for which loss-of-function is not a known mechanism of disease; Not observed in large population cohorts (Lek et al., 2016); Variants in candidate genes are classified as variants of uncertain significance in accordance with ACMG guidelines (Richards et al., 2015)

NM_031483.7(ITCH):c.679+1G>T

Gene: ITCH (itchy E3 ubiquitin protein ligase; plus strand). Cytogenetic location: 20q11.22.
Variant type: single nucleotide variant.
Coding change: c.679+1G>T on transcript NM_031483.7 (MANE Select); the canonical splice donor site of the intron after coding-DNA position 679, G replaced by T.
Molecular consequence: splice donor variant.
Genome position (GRCh38, 1-based): chr20:34,438,632, G>T. VCF-style: chr20-34438632-G-T. GRCh37 (hg19) VCF-style: chr20-33026437-G-T.
Other names: c.802+1G>T (NM_001324197.2, NM_001257137.3); c.679+1G>T (NM_001324198.2); c.349+1G>T (NM_001257138.3).
Identifiers: ClinVar variation 1308696 (VCV001308696.2), dbSNP rs1425407836, ClinGen allele CA408662816.